The following is an entry in ClinVar:

ClinVar aggregate classification (germline): Likely benign. Review status: criteria provided, multiple submitters, no conflicts (2 of 4 stars). 2 submissions from 2 submitters: Likely benign (2). Last evaluated 2025-09-24.

Conditions:
NEK8-related disorder. Also called: NEK8-related condition.

gnomAD v4.1: 53 of 1,614,090 alleles (0.0033%); highest among the groups gnomAD compares: Admixed American, 0.005%; no homozygotes.

Submissions (2):

PreventionGenetics, part of Exact Sciences
Classification: Likely benign for NEK8-related condition. Last evaluated: 2025-09-24. Review status: criteria provided, single submitter. Criteria: ACMG Guidelines, 2015. Collection method: clinical testing. Allele origin: germline.
Comment: This variant is classified as likely benign based on ACMG/AMP sequence variant interpretation guidelines (Richards et al. 2015 PMID: 25741868, with internal and published modifications).

CeGaT Center for Human Genetics Tuebingen
Classification: Likely benign. Last evaluated: 2025-05-01. Review status: criteria provided, single submitter. Criteria: CeGaT Center For Human Genetics Tuebingen Variant Classification Criteria Version 2. Collection method: clinical testing. Allele origin: germline. Affected: yes. Observed: 1 variant allele.
Comment: NEK8: BP4, BP7

NM_178170.3(NEK8):c.1362C>T (p.His454=)

Gene: NEK8 (NIMA related kinase 8; plus strand). Cytogenetic location: 17q11.2.
Variant type: single nucleotide variant.
Coding change: c.1362C>T on transcript NM_178170.3 (MANE Select); coding-DNA position 1362, C replaced by T.
Protein change: p.His454=; no amino-acid change (histidine 454 retained).
Molecular consequence: synonymous variant.
Genome position (GRCh38, 1-based): chr17:28,739,146, C>T. VCF-style: chr17-28739146-C-T. GRCh37 (hg19) VCF-style: chr17-27066164-C-T.
Other names: c.1362C>T (NM_178170.2).
Identifiers: ClinVar variation 3905206 (VCV003905206.11).